The following is an entry in ClinVar:

ClinVar aggregate classification (germline): Uncertain significance (0 of 4 stars; one submission).

Conditions:
FANCA-related disorder. Also called: FANCA-related condition.

Submission:

PreventionGenetics, part of Exact Sciences
Classification: Uncertain significance for FANCA-related condition. Last evaluated: 2024-01-04. Review status: no assertion criteria provided. Collection method: clinical testing. Allele origin: germline.
Comment: The FANCA c.3445T>C variant is predicted to result in the amino acid substitution p.Ser1149Pro. To our knowledge, this variant has not been reported in the literature or in a large population database, indicating this variant is rare. At this time, the clinical significance of this variant is uncertain due to the absence of conclusive functional and genetic evidence.

NM_000135.4(FANCA):c.3445T>C (p.Ser1149Pro)

Gene: FANCA (FA complementation group A; minus strand). Cytogenetic location: 16q24.3.
Variant type: single nucleotide variant.
Coding change: c.3445T>C on transcript NM_000135.4 (MANE Select); coding-DNA position 3445, T replaced by C.
Protein change: p.Ser1149Pro; replaces serine 1149 with proline.
Molecular consequence: missense variant.
Genome position (GRCh38, 1-based): chr16:89,746,652, A>G on the plus strand (T>C on the coding strand, the complement: FANCA is on the minus strand). VCF-style: chr16-89746652-A-G. GRCh37 (hg19) VCF-style: chr16-89813060-A-G.
Other names: c.3445T>C, p.Ser1149Pro (NM_001286167.3); short protein forms S1149P.
Identifiers: ClinVar variation 3036993 (VCV003036993.2), dbSNP rs2544119586, ClinGen allele CA397485959.